The following is an entry in ClinVar:

NM_001127208.3(TET2):c.1611G>C (p.Glu537Asp)

Genes: TET2 (tet methylcytosine dioxygenase 2; plus strand), TET2-AS1 (TET2 antisense RNA 1; minus strand). Cytogenetic location: 4q24.
Variant type: single nucleotide variant.
Coding change: c.1611G>C on transcript NM_001127208.3 (MANE Select); coding-DNA position 1611, G replaced by C.
Protein change: p.Glu537Asp; replaces glutamic acid 537 with aspartic acid.
Molecular consequence: missense variant.
Genome position (GRCh38, 1-based): chr4:105,235,553, G>C. VCF-style: chr4-105235553-G-C. GRCh37 (hg19) VCF-style: chr4-106156710-G-C.
Other names: c.1611G>C, p.Glu537Asp (NM_017628.4); short protein forms E537D.
Identifiers: ClinVar variation 3806080 (VCV003806080.1).

ClinVar aggregate classification (germline): Uncertain significance (1 of 4 stars; one submission).

Submission:

Ambry Genetics
Classification: Uncertain significance. Last evaluated: 2025-02-21. Review status: criteria provided, single submitter. Criteria: Ambry Variant Classification Scheme 2023. Collection method: clinical testing. Allele origin: germline.
Comment: The p.E537D variant (also known as c.1611G>C), located in coding exon 1 of the TET2 gene, results from a G to C substitution at nucleotide position 1611. The glutamic acid at codon 537 is replaced by aspartic acid, an amino acid with highly similar properties. This amino acid position is conserved. In addition, this alteration is predicted to be tolerated by in silico analysis. Based on the available evidence, the clinical significance of this variant remains unclear.